The following is an entry in ClinVar:

ClinVar aggregate classification (germline): Pathogenic (1 of 4 stars; one submission).

Conditions:
Developmental and epileptic encephalopathy, 11 (DEE11). Also called: Early infantile epileptic encephalopathy 11. Identifiers: Orphanet 1934, MedGen C3150987, MONDO:0013388, OMIM 613721.
Seizures, benign familial infantile, 3 (BFIS3). Also called: CONVULSIONS, BENIGN FAMILIAL INFANTILE, 3; Familial neonatal seizures. Identifiers: Orphanet 140927, Orphanet 306, MedGen C1843140, MONDO:0011904, OMIM 607745.

Submission:

Labcorp Genetics (formerly Invitae), Labcorp
Classification: Pathogenic for Seizures, benign familial infantile, 3; Developmental and epileptic encephalopathy, 11. Last evaluated: 2025-10-16. Review status: criteria provided, single submitter. Criteria: Invitae Variant Classification Sherloc (09022015). Collection method: clinical testing. Allele origin: germline.
Comment: This sequence change replaces leucine, which is neutral and non-polar, with valine, which is neutral and non-polar, at codon 1665 of the SCN2A protein (p.Leu1665Val). This variant is not present in population databases (gnomAD no frequency). This missense change has been observed in individual(s) with clinical features of SCN2A-related conditions (internal data). In at least one individual the variant was observed to be de novo. ClinVar contains an entry for this variant (Variation ID: 3753673). Invitae Evidence Modeling of protein sequence and biophysical properties (such as structural, functional, and spatial information, amino acid conservation, physicochemical variation, residue mobility, and thermodynamic stability) indicates that this missense variant is expected to disrupt SCN2A protein function with a positive predictive value of 95%. For these reasons, this variant has been classified as Pathogenic.

NM_001040142.2(SCN2A):c.4993C>G (p.Leu1665Val)

Gene: SCN2A (sodium voltage-gated channel alpha subunit 2; plus strand). Cytogenetic location: 2q24.3.
Variant type: single nucleotide variant.
Coding change: c.4993C>G on transcript NM_001040142.2 (MANE Select); coding-DNA position 4993, C replaced by G.
Protein change: p.Leu1665Val; replaces leucine 1665 with valine.
Molecular consequence: missense variant.
Genome position (GRCh38, 1-based): chr2:165,388,799, C>G. VCF-style: chr2-165388799-C-G. GRCh37 (hg19) VCF-style: chr2-166245309-C-G.
Other names: c.4993C>G, p.Leu1665Val (NM_001040143.2, NM_001371246.1, NM_001371247.1 and 1 more transcripts); short protein forms L1665V.
Identifiers: ClinVar variation 3753673 (VCV003753673.2).